The following is an entry in ClinVar:

ClinVar aggregate classification (germline): Uncertain significance. Review status: criteria provided, multiple submitters, no conflicts (2 of 4 stars). 2 submissions from 2 submitters: Uncertain significance (2). Last evaluated 2024-01-16.

Conditions:
Cardiovascular phenotype. Identifiers: MedGen CN230736.

Submissions (2):

GeneDx
Classification: Uncertain significance. Last evaluated: 2024-01-16. Review status: criteria provided, single submitter. Criteria: GeneDx Variant Classification Process June 2021. Collection method: clinical testing. Allele origin: germline. Affected: yes.
Comment: Not observed at significant frequency in large population cohorts (gnomAD); In silico analysis supports that this missense variant has a deleterious effect on protein structure/function; Has not been previously published as pathogenic or benign to our knowledge

Ambry Genetics
Classification: Uncertain significance for Cardiovascular phenotype. Last evaluated: 2021-07-02. Review status: criteria provided, single submitter. Criteria: Ambry Variant Classification Scheme 2023. Collection method: clinical testing. Allele origin: germline.
Comment: The p.P2920R variant (also known as c.8759C>G), located in coding exon 10 of the ALMS1 gene, results from a C to G substitution at nucleotide position 8759. The proline at codon 2920 is replaced by arginine, an amino acid with dissimilar properties. This amino acid position is not well conserved in available vertebrate species. In addition, this alteration is predicted to be tolerated by in silico analysis. Since supporting evidence is limited at this time, the clinical significance of this alteration remains unclear.

NM_001378454.1(ALMS1):c.8756C>G (p.Pro2919Arg)

Gene: ALMS1 (ALMS1 centrosome and basal body associated protein; plus strand). Cytogenetic location: 2p13.1.
Variant type: single nucleotide variant.
Coding change: c.8756C>G on transcript NM_001378454.1 (MANE Select); coding-DNA position 8756, C replaced by G.
Protein change: p.Pro2919Arg; replaces proline 2919 with arginine.
Molecular consequence: missense variant.
Genome position (GRCh38, 1-based): chr2:73,490,715, C>G. VCF-style: chr2-73490715-C-G. GRCh37 (hg19) VCF-style: chr2-73717842-C-G.
Other names: c.8759C>G, p.Pro2920Arg (NM_015120.4); short protein forms P2919R, P2920R.
Identifiers: ClinVar variation 1764559 (VCV001764559.3), dbSNP rs1672963053, ClinGen allele CA347270411.